The following is an entry in ClinVar:

ClinVar aggregate classification (germline): Uncertain significance (1 of 4 stars; one submission).

Submission:

Labcorp Genetics (formerly Invitae), Labcorp
Classification: Uncertain significance. Last evaluated: 2022-08-23. Review status: criteria provided, single submitter. Criteria: Invitae Variant Classification Sherloc (09022015). Collection method: clinical testing. Allele origin: germline.
Comment: This sequence change replaces threonine, which is neutral and polar, with isoleucine, which is neutral and non-polar, at codon 1387 of the RAI1 protein (p.Thr1387Ile). In summary, the available evidence is currently insufficient to determine the role of this variant in disease. Therefore, it has been classified as a Variant of Uncertain Significance. Algorithms developed to predict the effect of missense changes on protein structure and function (SIFT, PolyPhen-2, Align-GVGD) all suggest that this variant is likely to be tolerated. ClinVar contains an entry for this variant (Variation ID: 1423318). This variant has not been reported in the literature in individuals affected with RAI1-related conditions. This variant is not present in population databases (gnomAD no frequency).

NM_030665.4(RAI1):c.4160C>T (p.Thr1387Ile)

Gene: RAI1 (retinoic acid induced 1; plus strand). Cytogenetic location: 17p11.2.
Variant type: single nucleotide variant.
Coding change: c.4160C>T on transcript NM_030665.4 (MANE Select); coding-DNA position 4160, C replaced by T.
Protein change: p.Thr1387Ile; replaces threonine 1387 with isoleucine.
Molecular consequence: missense variant.
Genome position (GRCh38, 1-based): chr17:17,797,108, C>T. VCF-style: chr17-17797108-C-T. GRCh37 (hg19) VCF-style: chr17-17700422-C-T.
Other names: short protein forms T1387I.
Identifiers: ClinVar variation 1423318 (VCV001423318.6), dbSNP rs2143002902, ClinGen allele CA398555840.